The following is an entry in ClinVar:

ClinVar aggregate classification (germline): Pathogenic (1 of 4 stars; one submission).

Conditions:
PRPH2-related disorder. Also called: PRPH2-related condition; PRPH2-related disorders. Identifiers: MedGen CN239395.

Submission:

Labcorp Genetics (formerly Invitae), Labcorp
Classification: Pathogenic for PRPH2-related disorder. Last evaluated: 2025-04-19. Review status: criteria provided, single submitter. Criteria: Invitae Variant Classification Sherloc (09022015). Collection method: clinical testing. Allele origin: germline.
Comment: This sequence change creates a premature translational stop signal (p.Lys153*) in the PRPH2 gene. It is expected to result in an absent or disrupted protein product. Loss-of-function variants in PRPH2 are known to be pathogenic (PMID: 8111389, 8485575, 8485576, 8675410, 16916875, 17504850, 22863181, 25675413, 26061163, 27365499, 29555955, 33546218). This variant is not present in population databases (gnomAD no frequency). This variant has not been reported in the literature in individuals affected with PRPH2-related conditions. For these reasons, this variant has been classified as Pathogenic.

Literature cited by the submitters: PubMed 8111389; PubMed 8485575; PubMed 8485576; PubMed 8675410; PubMed 16916875; PubMed 17504850; PubMed 22863181; PubMed 25675413; PubMed 26061163; PubMed 27365499; PubMed 29555955; PubMed 33546218.

NM_000322.5(PRPH2):c.457A>T (p.Lys153Ter)

Gene: PRPH2 (peripherin 2; minus strand). Cytogenetic location: 6p21.1.
Variant type: single nucleotide variant.
Coding change: c.457A>T on transcript NM_000322.5 (MANE Select); coding-DNA position 457, A replaced by T.
Protein change: p.Lys153Ter; replaces lysine 153 with a stop codon.
Molecular consequence: nonsense.
Genome position (GRCh38, 1-based): chr6:42,721,878, T>A on the plus strand (A>T on the coding strand, the complement: PRPH2 is on the minus strand). VCF-style: chr6-42721878-T-A. GRCh37 (hg19) VCF-style: chr6-42689616-T-A.
Other names: short protein forms K153*.
Identifiers: ClinVar variation 4717445 (VCV004717445.1).
Genomic context (GRCh38, chr6:42,721,878, plus strand): 5'-CCCGAAAACCGTTGTTGCCGCAGCATTTGAACTCGATCTGCAGCATGTCGATGGTCTTCT[T>A]CATGAAACACCTGCCAGGGGTGTCTGTGTCCCGGTAGTACTTCATGCCGTTCTTGAGCCC-3'